The following is an entry in ClinVar:

NM_000256.3(MYBPC3):c.506-1G>T

Gene: MYBPC3 (myosin binding protein C3; minus strand). Cytogenetic location: 11p11.2.
Variant type: single nucleotide variant.
Coding change: c.506-1G>T on transcript NM_000256.3 (MANE Select); the canonical splice acceptor site of the intron before coding-DNA position 506, G replaced by T.
Molecular consequence: splice acceptor variant.
Genome position (GRCh38, 1-based): chr11:47,349,923, C>A on the plus strand (G>T on the coding strand, the complement: MYBPC3 is on the minus strand). VCF-style: chr11-47349923-C-A. GRCh37 (hg19) VCF-style: chr11-47371474-C-A.
Identifiers: ClinVar variation 42764 (VCV000042764.4), dbSNP rs397516056, ClinGen allele CA015338.

ClinVar aggregate classification (germline): Pathogenic (1 of 4 stars; one submission).

Conditions:
Hypertrophic cardiomyopathy. Also called: HYPERTROPHIC MYOCARDIOPATHY. Identifiers: Orphanet 217569, MedGen C0007194, MeSH D002312, MONDO:0005045, HP:0001639.

Submission:

Laboratory for Molecular Medicine, Mass General Brigham Personalized Medicine
Classification: Pathogenic for Hypertrophic cardiomyopathy. Last evaluated: 2013-05-16. Review status: criteria provided, single submitter. Criteria: LMM Criteria. Collection method: clinical testing. Allele origin: germline. Observed: 2 variant alleles.
Comment: This variant occurs in the invariant regio n (+/- 1,2) of the splice consensus sequence and is predicted to cause altered s plicing leading to an abnormal or absent protein. Truncating variants in MYBPC3 are established as pathogenic for HCM. In summary, this variant meets our criter ia for pathogenicity.